The following is an entry in ClinVar:

ClinVar aggregate classification (germline): Uncertain significance (1 of 4 stars; one submission).

Conditions:
Autosomal recessive limb-girdle muscular dystrophy type 2Y (MRRSDC). Also called: Muscular dystrophy, limb-girdle, type 2y; Muscular dystrophy, autosomal recessive, with rigid spine and distal joint contractures. Identifiers: Orphanet 424261, MedGen C4511482, MONDO:0014900, OMIM 617072.

Allele frequency attached by ClinVar (database versions not stated): gnomAD 0.00001; TOPMed 0.00001; gnomAD exomes 0.00003.
gnomAD v4.1: 39 of 1,613,074 alleles (0.0024%); highest among the groups gnomAD compares: Non-Finnish European, 0.0029%; no homozygotes.

Submission:

Labcorp Genetics (formerly Invitae), Labcorp
Classification: Uncertain significance for Autosomal recessive limb-girdle muscular dystrophy type 2Y. Last evaluated: 2022-08-16. Review status: criteria provided, single submitter. Criteria: Invitae Variant Classification Sherloc (09022015). Collection method: clinical testing. Allele origin: germline.
Comment: This sequence change creates a premature translational stop signal (p.Gln323*) in the TOR1AIP1 gene. While this is not anticipated to result in nonsense mediated decay, it is expected to disrupt the last 262 amino acid(s) of the TOR1AIP1 protein. This variant is present in population databases (no rsID available, gnomAD 0.003%). This variant has not been reported in the literature in individuals affected with TOR1AIP1-related conditions. Experimental studies and prediction algorithms are not available or were not evaluated, and the functional significance of this variant is currently unknown. This variant disrupts a region of the TOR1AIP1 protein in which other variant(s) (p.Leu395Pro, p.Ala477Val) have been observed in individuals with TOR1AIP1-related conditions (PMID: 26436962, 32190976). This suggests that this is a clinically significant region of the protein, and that variants that disrupt it are likely to be disease-causing. In summary, the available evidence is currently insufficient to determine the role of this variant in disease. Therefore, it has been classified as a Variant of Uncertain Significance.

Literature cited by the submitters: PubMed 26436962; PubMed 32190976.

NM_015602.4(TOR1AIP1):c.964C>T (p.Gln322Ter)

Gene: TOR1AIP1 (torsin 1A interacting protein 1; plus strand). Cytogenetic location: 1q25.2.
Variant type: single nucleotide variant.
Coding change: c.964C>T on transcript NM_015602.4 (MANE Select); coding-DNA position 964, C replaced by T.
Protein change: p.Gln322Ter; replaces glutamine 322 with a stop codon.
Molecular consequence: nonsense.
Genome position (GRCh38, 1-based): chr1:179,914,054, C>T. VCF-style: chr1-179914054-C-T. GRCh37 (hg19) VCF-style: chr1-179883189-C-T.
Other names: c.967C>T, p.Gln323Ter (NM_001267578.2); short protein forms Q322*, Q323*.
Identifiers: ClinVar variation 2079582 (VCV002079582.1), dbSNP rs867591661, ClinGen allele CA33687054.
Genomic context (GRCh38, chr1:179,914,054, plus strand): 5'-TTAGATGACAGCATTCTGAAATCAGAGCTTGGAAACCAGTCACCATCAACCTCCAGCCGA[C>T]GTAAGTTTATGTATTCAGTTTTTATTAAATATTTCTGTAAAATTGGTATTCCATAATTGT-3'